The following is an entry in ClinVar:

ClinVar aggregate classification (germline): Conflicting classifications of pathogenicity. Review status: criteria provided, conflicting classifications (1 of 4 stars). 3 submissions from 3 submitters: Likely pathogenic (2); Uncertain significance (1). Last evaluated 2024-05-09.

Conditions:
DSG2-related disorders.
Arrhythmogenic right ventricular cardiomyopathy (ARVD). Also called: Arrhythmogenic cardiomyopathy; Cardiomyopathy, ARVC; Arrhythmogenic right ventricular dysplasia; Arrhythmogenic Right Ventricular Cardiomyopathy (ARVC). Identifiers: Orphanet 247, MedGen C0349788, MeSH D019571, MONDO:0016587. Disease mechanism: loss of function. Inheritance: Various modes of inheritance.

Allele frequency attached by ClinVar (database versions not stated): gnomAD exomes 0.00001.
gnomAD v4.1: 6 of 1,469,556 alleles (0.00041%); highest among the groups gnomAD compares: Non-Finnish European, 0.00009%; no homozygotes.

Submissions (3):

All of Us Research Program, National Institutes of Health
Classification: Uncertain significance for Arrhythmogenic right ventricular cardiomyopathy. Last evaluated: 2024-05-09. Review status: criteria provided, single submitter. Criteria: ACMG Guidelines, 2015. Collection method: clinical testing. Allele origin: germline. Inheritance: Autosomal dominant inheritance. Observed: 1 variant allele, 1 heterozygote.
Comment: This study involves interpretation of variants in research participants for the purpose of population health screening. Participant phenotype was not available at the time of variant classification. Additional details can be found in publication PMID: 35346344, PMCID: PMC8962531

Blueprint Genetics
Classification: Likely pathogenic for DSG2-related disorders. Last evaluated: 2020-06-01. Review status: criteria provided, single submitter. Criteria: ACMG Guidelines, 2015. Collection method: clinical testing. Allele origin: germline. Affected: yes. Observed: 5 variant alleles.

GeneDx
Classification: Likely pathogenic. Last evaluated: 2018-11-15. Review status: criteria provided, single submitter. Criteria: GeneDx Variant Classification (06012015). Collection method: clinical testing. Allele origin: germline. Affected: yes.
Comment: The L772X likely pathogenic variant in the DSG2 gene has not been reported as pathogenic or benign to our knowledge. L772X is predicted to cause loss of normal protein function by protein truncation, as the last 347 amino acids are lost, and other downstream loss-of-function variants have been reported in the Human Gene Mutation Database (Stenson et al., 2014). Furthermore, the L772X variant is not observed in large population cohorts (Lek et al., 2016). Nevertheless, this variant lacks observation in a significant number of affected individuals, segregation data, and functional evidence, which would further clarify its pathogenicity.

NM_001943.5(DSG2):c.2315T>G (p.Leu772Ter)

Genes: DSG2 (desmoglein 2; plus strand), DSG2-AS1 (DSG2 antisense RNA 1; minus strand). Cytogenetic location: 18q12.1.
Variant type: single nucleotide variant.
Coding change: c.2315T>G on transcript NM_001943.5 (MANE Select); coding-DNA position 2315, T replaced by G.
Protein change: p.Leu772Ter; replaces leucine 772 with a stop codon.
Molecular consequence: nonsense.
Genome position (GRCh38, 1-based): chr18:31,542,833, T>G. VCF-style: chr18-31542833-T-G. GRCh37 (hg19) VCF-style: chr18-29122796-T-G.
Other names: p.L772*:TTA>TGA; c.2315T>G (LRG_397t1); short protein forms L772*.
Identifiers: ClinVar variation 199830 (VCV000199830.4), dbSNP rs794728097, ClinGen allele CA021750.